The following is an entry in ClinVar:

ClinVar aggregate classification (germline): Pathogenic (1 of 4 stars; one submission).

Conditions:
Cardiovascular phenotype. Identifiers: MedGen CN230736.

Submission:

Ambry Genetics
Classification: Pathogenic for Cardiovascular phenotype. Last evaluated: 2025-02-24. Review status: criteria provided, single submitter. Criteria: Ambry Variant Classification Scheme 2023. Collection method: clinical testing. Allele origin: germline.
Comment: The c.2164_2171dupGTTAATGG variant, located in coding exon 15 of the APOB gene, results from a duplication of GTTAATGG at nucleotide position 2164, causing a translational frameshift with a predicted alternate stop codon (p.Q725Lfs*13). This variant is considered to be rare based on population cohorts in the Genome Aggregation Database (gnomAD). Although biallelic loss of function alterations in APOB have been associated with autosomal recessive hypobetalipoproteinemia, haploinsufficiency for APOB has not been clearly established as a mechanism of disease for autosomal dominant familial hypercholesterolemia. Based on the supporting evidence, this variant would be expected to cause autosomal recessive hypobetalipoproteinemia when present along with a second pathogenic or likely pathogenic variant on the other allele; however, the association of this alteration with autosomal dominant familial hypercholesterolemia is unlikely.

NM_000384.3(APOB):c.2164_2171dup (p.Gln725fs)

Gene: APOB (apolipoprotein B; minus strand). Cytogenetic location: 2p24.1.
Variant type: Duplication.
Coding change: c.2164_2171dup on transcript NM_000384.3 (MANE Select); coding-DNA positions 2164 to 2171, 8 bases duplicated (GTTAATGG; older notation c.2164_2171dupGTTAATGG).
Protein change: p.Gln725fs; shifts the reading frame from glutamine 725.
Molecular consequence: frameshift variant.
Genome position (GRCh38, 1-based): chr2:21,026,861-21,026,868, CCATTAAC duplicated on the plus strand (GTTAATGG on the coding strand, the reverse complement: APOB is on the minus strand); duplicating any 8 consecutive bases within chr2:21,026,861-21,026,871 gives the same sequence; the c. name uses the placement nearest the transcript's 3' end. VCF-style (leftmost placement, unchanged base first): chr2-21026860-A-ACCATTAAC. GRCh37 (hg19) VCF-style: chr2-21249732-A-ACCATTAAC.
Other names: short protein forms Q725fs.
Identifiers: ClinVar variation 3885337 (VCV003885337.1).